The following is an entry in ClinVar:

NM_001267052.2(UNC45B):c.2209G>T (p.Ala737Ser)

Gene: UNC45B (unc-45 myosin chaperone B; plus strand). Cytogenetic location: 17q12.
Variant type: single nucleotide variant.
Coding change: c.2209G>T on transcript NM_001267052.2 (MANE Select); coding-DNA position 2209, G replaced by T.
Protein change: p.Ala737Ser; replaces alanine 737 with serine.
Molecular consequence: missense variant.
Genome position (GRCh38, 1-based): chr17:35,177,564, G>T. VCF-style: chr17-35177564-G-T. GRCh37 (hg19) VCF-style: chr17-33504583-G-T.
Other names: c.2209G>T, p.Ala737Ser (NM_001033576.2); c.1972G>T, p.Ala658Ser (NM_001308281.1); c.2215G>T, p.Ala739Ser (NM_173167.3); short protein forms A737S, A658S, A739S.
Identifiers: ClinVar variation 1031710 (VCV001031710.1), dbSNP rs572473522, ClinGen allele CA289994652.

ClinVar aggregate classification (germline): Uncertain significance (1 of 4 stars; one submission).

Conditions:
Cataract 43 (CTRCT43). Identifiers: Orphanet 91492, MedGen C4225389, MONDO:0014565, OMIM 616279.

Allele frequency attached by ClinVar (database versions not stated): gnomAD exomes below 0.00001; gnomAD 0.00001; TOPMed 0.00002; 1000 Genomes Project 30x 0.00016; 1000 Genomes Project 0.00020.
gnomAD v4.1: 3 of 1,561,350 alleles (0.00019%); highest among the groups gnomAD compares: African/African-American, 0.0041%; no homozygotes.

Submission:

Baylor Genetics
Classification: Uncertain significance for Cataract 43. Last evaluated: 2018-03-19. Review status: criteria provided, single submitter. Criteria: ACMG Guidelines, 2015. Collection method: clinical testing. Allele origin: paternal. Affected: yes.
Comment: This variant was determined to be of uncertain significance according to ACMG Guidelines, 2015 [PMID:25741868].